The following is an entry in ClinVar:

ClinVar aggregate classification (germline): Benign. Review status: criteria provided, multiple submitters, no conflicts (2 of 4 stars). 3 submissions from 3 submitters: Benign (3). Last evaluated 2021-08-10.

Conditions:
Chudley-McCullough syndrome (CMCS). Also called: Deafness, autosomal recessive 82; DEAFNESS, SENSORINEURAL, WITH PARTIAL AGENESIS OF THE CORPUS CALLOSUM AND ARACHNOID CYSTS. Identifiers: Orphanet 314597, MedGen C1858695, MONDO:0011411, OMIM 604213.

Allele frequency attached by ClinVar (database versions not stated): gnomAD exomes 0.22647; 1000 Genomes Project 0.27037; 1000 Genomes Project 30x 0.27998; ExAC 0.28243; gnomAD 0.32126 and 0.33412; TOPMed 0.32136; ESP Exome Variant Server 0.34730.
gnomAD v4.1: 364,014 of 1,475,530 alleles (25%); highest among the groups gnomAD compares: African/African-American, 56%; 49,871 homozygotes.

Submissions (3):

Genome-Nilou Lab
Classification: Benign for Chudley-McCullough syndrome. Last evaluated: 2021-08-10. Review status: criteria provided, single submitter. Criteria: ACMG Guidelines, 2015. Collection method: clinical testing. Allele origin: germline. Affected: no.

GeneDx
Classification: Benign. Last evaluated: 2018-06-14. Review status: criteria provided, single submitter. Criteria: GeneDx Variant Classification (06012015). Collection method: clinical testing. Allele origin: germline. Affected: yes.
Comment: This variant is considered likely benign or benign based on one or more of the following criteria: it is a conservative change, it occurs at a poorly conserved position in the protein, it is predicted to be benign by multiple in silico algorithms, and/or has population frequency not consistent with disease.

Breakthrough Genomics
Classification: Benign. Review status: criteria provided, single submitter. Criteria: ACMG Guidelines, 2015. Collection method: not provided. Allele origin: germline. Inheritance: Autosomal recessive inheritance. Affected: yes.

NM_013296.5(GPSM2):c.1815+22G>A

Gene: GPSM2 (G protein signaling modulator 2; plus strand). Cytogenetic location: 1p13.3.
Variant type: single nucleotide variant.
Coding change: c.1815+22G>A on transcript NM_013296.5 (MANE Select); 22 bases into the intron after coding-DNA position 1815, G replaced by A.
Molecular consequence: intron variant.
Genome position (GRCh38, 1-based): chr1:108,924,236, G>A. VCF-style: chr1-108924236-G-A. GRCh37 (hg19) VCF-style: chr1-109466858-G-A.
Other names: c.1815+22G>A (NM_001321038.2, NM_001321039.3).
Identifiers: ClinVar variation 681784 (VCV000681784.4), dbSNP rs705268, ClinGen allele CA983178.